The following is an entry in ClinVar:

ClinVar aggregate classification (germline): Benign (0 of 4 stars; one submission).

Conditions:
DNAH17-related disorder. Also called: DNAH17-related condition.

Allele frequency attached by ClinVar (database versions not stated): ExAC 0.00725; gnomAD 0.02130; TOPMed 0.02441; 1000 Genomes Project 0.02636; 1000 Genomes Project 30x 0.02701; ESP Exome Variant Server 0.02791.
gnomAD v4.1: 6,534 of 1,612,178 alleles (0.41%); highest among the groups gnomAD compares: African/African-American, 7.6%; 249 homozygotes.

Submission:

PreventionGenetics, part of Exact Sciences
Classification: Benign for DNAH17-related condition. Last evaluated: 2019-02-26. Review status: no assertion criteria provided. Collection method: clinical testing. Allele origin: germline.
Comment: This variant is classified as benign based on ACMG/AMP sequence variant interpretation guidelines (Richards et al. 2015 PMID: 25741868, with internal and published modifications).

NM_173628.4(DNAH17):c.11949T>C (p.Ile3983=)

Gene: DNAH17 (dynein axonemal heavy chain 17; minus strand). Cytogenetic location: 17q25.3.
Variant type: single nucleotide variant.
Coding change: c.11949T>C on transcript NM_173628.4 (MANE Select); coding-DNA position 11949, T replaced by C.
Protein change: p.Ile3983=; no amino-acid change (isoleucine 3983 retained).
Molecular consequence: synonymous variant.
Genome position (GRCh38, 1-based): chr17:78,437,725, A>G on the plus strand (T>C on the coding strand, the complement: DNAH17 is on the minus strand). VCF-style: chr17-78437725-A-G. GRCh37 (hg19) VCF-style: chr17-76433807-A-G.
Identifiers: ClinVar variation 3049988 (VCV003049988.2), dbSNP rs10221268, ClinGen allele CA8800256.